The following is an entry in ClinVar:

ClinVar aggregate classification (germline): Uncertain significance (1 of 4 stars; one submission).

Allele frequency attached by ClinVar (database versions not stated): gnomAD below 0.00001 and 0.00001; TOPMed below 0.00001; ExAC 0.00001; gnomAD exomes 0.00001.
gnomAD v4.1: 7 of 1,611,534 alleles (0.00043%); highest among the groups gnomAD compares: South Asian, 0.0078%; no homozygotes.

Submission:

Labcorp Genetics (formerly Invitae), Labcorp
Classification: Uncertain significance. Last evaluated: 2019-11-28. Review status: criteria provided, single submitter. Criteria: Invitae Variant Classification Sherloc (09022015). Collection method: clinical testing. Allele origin: germline.
Comment: Algorithms developed to predict the effect of missense changes on protein structure and function are either unavailable or do not agree on the potential impact of this missense change (SIFT: "Deleterious"; PolyPhen-2: "Benign"; Align-GVGD: "Class C0"). This variant has not been reported in the literature in individuals with RGS9-related conditions. This variant is present in population databases (rs763943189, ExAC 0.008%). This sequence change replaces leucine with valine at codon 180 of the RGS9 protein (p.Leu180Val). The leucine residue is moderately conserved and there is a small physicochemical difference between leucine and valine. In summary, the available evidence is currently insufficient to determine the role of this variant in disease. Therefore, it has been classified as a Variant of Uncertain Significance.

NM_003835.4(RGS9):c.538C>G (p.Leu180Val)

Gene: RGS9 (regulator of G protein signaling 9; plus strand). Cytogenetic location: 17q24.1.
Variant type: single nucleotide variant.
Coding change: c.538C>G on transcript NM_003835.4 (MANE Select); coding-DNA position 538, C replaced by G.
Protein change: p.Leu180Val; replaces leucine 180 with valine.
Molecular consequence: missense variant.
Genome position (GRCh38, 1-based): chr17:65,168,237, C>G. VCF-style: chr17-65168237-C-G. GRCh37 (hg19) VCF-style: chr17-63164355-C-G.
Other names: c.538C>G, p.Leu180Val (NM_001081955.3, NM_001165933.2); short protein forms L180V.
Identifiers: ClinVar variation 846347 (VCV000846347.9), dbSNP rs763943189, ClinGen allele CA8717715.